The following is an entry in ClinVar:

NM_005522.5(HOXA1):c.216_221del (p.Arg73_His74del)

Gene: HOXA1 (homeobox A1; minus strand). Cytogenetic location: 7p15.2.
Variant type: Deletion.
Coding change: c.216_221del on transcript NM_005522.5 (MANE Select); coding-DNA positions 216 to 221, 6 bases deleted (TCGCCA; older notation c.216_221delTCGCCA).
Protein change: p.Arg73_His74del.
Genome position (GRCh38, 1-based): chr7:27,095,692-27,095,697, TGGCGA deleted on the plus strand (TCGCCA on the coding strand, the reverse complement: HOXA1 is on the minus strand); deleting any 6 consecutive bases within chr7:27,095,692-27,095,700 gives the same sequence; the c. name uses the placement nearest the transcript's 3' end. VCF-style (leftmost placement, unchanged base first): chr7-27095691-GTGGCGA-G. GRCh37 (hg19) VCF-style: chr7-27135310-GTGGCGA-G.
Other names: c.216_221del, p.Arg73_His74del (NM_153620.3).
Identifiers: ClinVar variation 3051297 (VCV003051297.2), dbSNP rs767586523, ClinGen allele CA4195987.

ClinVar aggregate classification (germline): Likely benign (0 of 4 stars; one submission).

Conditions:
HOXA1-related syndrome. Also called: HOXA1-Related Disorders; Human HOXA1 syndromes; HOXA1-related condition; HOXA1-related disorder. Identifiers: MedGen CN381531, MONDO:0011099.

Submission:

PreventionGenetics, part of Exact Sciences
Classification: Likely benign for HOXA1-related condition. Last evaluated: 2023-07-30. Review status: no assertion criteria provided. Collection method: clinical testing. Allele origin: germline.
Comment: This variant is classified as likely benign based on ACMG/AMP sequence variant interpretation guidelines (Richards et al. 2015 PMID: 25741868, with internal and published modifications).